The following is an entry in ClinVar:

ClinVar aggregate classification (germline): Likely benign (1 of 4 stars; one submission).

Allele frequency attached by ClinVar (database versions not stated): 1000 Genomes Project 30x 0.00078; TOPMed 0.00080; gnomAD 0.00097; 1000 Genomes Project 0.00100; ESP Exome Variant Server 0.00108; ExAC 0.00185.
gnomAD v4.1: 1,862 of 1,613,860 alleles (0.12%); highest among the groups gnomAD compares: Middle Eastern, 1.8%; 14 homozygotes.

Submission:

CeGaT Center for Human Genetics Tuebingen
Classification: Likely benign. Last evaluated: 2023-03-01. Review status: criteria provided, single submitter. Criteria: CeGaT Center For Human Genetics Tuebingen Variant Classification Criteria Version 2. Collection method: clinical testing. Allele origin: germline. Affected: yes. Observed: 1 variant allele.
Comment: CYP2J2: BP4, BS2

NM_000775.4(CYP2J2):c.1063G>A (p.Ala355Thr)

Gene: CYP2J2 (cytochrome P450 family 2 subfamily J member 2; minus strand). Cytogenetic location: 1p32.1.
Variant type: single nucleotide variant.
Coding change: c.1063G>A on transcript NM_000775.4 (MANE Select); coding-DNA position 1063, G replaced by A.
Protein change: p.Ala355Thr; replaces alanine 355 with threonine.
Molecular consequence: missense variant. On other transcripts: non-coding transcript variant (1).
Genome position (GRCh38, 1-based): chr1:59,904,999, C>T on the plus strand (G>A on the coding strand, the complement: CYP2J2 is on the minus strand). VCF-style: chr1-59904999-C-T. GRCh37 (hg19) VCF-style: chr1-60370671-C-T.
Other names: short protein forms A355T.
Identifiers: ClinVar variation 2638850 (VCV002638850.24), dbSNP rs144856672, ClinGen allele CA879985.
Genomic context (GRCh38, chr1:59,904,999, plus strand): 5'-TGTTGCCCATTCTCTGCACCTCATGGATGACAGCATTGGTGTAGGGCATGGACTCCCGGG[C>T]GGCTGTGCTCGGCTGCTGCCCCTGGCCAATCACTCTGTCAATCTCAGCTTGTACTTTTTC-3'
Protein context (NP_000766.2, residues 345-365): IGQGQQPSTA[Ala355Thr]RESMPYTNAV